The following is an entry in ClinVar:

NM_001042492.3(NF1):c.1182dup (p.Lys395Ter)

Gene: NF1 (neurofibromin 1; plus strand). Cytogenetic location: 17q11.2.
Variant type: Duplication.
Coding change: c.1182dup on transcript NM_001042492.3 (MANE Select); coding-DNA position 1182, one base duplicated (T; older notation c.1182dupT).
Protein change: p.Lys395Ter; replaces lysine 395 with a stop codon.
Molecular consequence: nonsense. On other transcripts: frameshift variant (1).
Genome position (GRCh38, 1-based): chr17:31,201,156, T duplicated; the last of 3 consecutive T bases (chr17:31,201,154-31,201,156); duplicating any one gives the same sequence. VCF-style (leftmost placement, unchanged base first): chr17-31201153-C-CT. GRCh37 (hg19) VCF-style: chr17-29528171-C-CT.
Other names: c.1182dup, p.Lys395Terfs (NM_000267.4); c.1182dup, p.Lys395Ter (NM_001128147.3); c.1182dupT (NM_000267.3); short protein forms K395*.
Identifiers: ClinVar variation 818520 (VCV000818520.43), dbSNP rs1597682159, ClinGen allele CA645571218.

ClinVar aggregate classification (germline): Pathogenic. Review status: criteria provided, multiple submitters, no conflicts (2 of 4 stars). 5 submissions from 5 submitters: Pathogenic (5). Last evaluated 2026-03-05.

Conditions:
Hereditary cancer-predisposing syndrome. Also called: Tumor predisposition; Hereditary neoplastic syndrome; Neoplastic Syndromes, Hereditary; Hereditary Cancer Syndrome. Identifiers: Orphanet 140162, MedGen C0027672, MeSH D009386, MONDO:0015356.
Cardiovascular phenotype. Identifiers: MedGen CN230736.
Neurofibromatosis, type 1 (NF1). Also called: NEUROFIBROMATOSIS, TYPE I, SOMATIC; Peripheral type neurofibromatosis; Neurofibromatosis, type I; VON RECKLINGHAUSEN DISEASE. Identifiers: Orphanet 636, MedGen C0027831, MONDO:0018975, OMIM 162200. Disease mechanism: loss of function.

Submissions (5):

Myriad Genetics, Inc.
Classification: Pathogenic for Neurofibromatosis, type 1. Last evaluated: 2026-03-05. Review status: criteria provided, single submitter. Criteria: Myriad Autosomal Dominant, Autosomal Recessive and X-Linked Classification Criteria (2023). Collection method: clinical testing. Allele origin: unknown.
Comment: This variant is considered pathogenic. This variant creates a termination codon and is predicted to result in premature protein truncation.

Labcorp Genetics (formerly Invitae), Labcorp
Classification: Pathogenic for Neurofibromatosis, type 1. Last evaluated: 2023-01-06. Review status: criteria provided, single submitter. Criteria: Invitae Variant Classification Sherloc (09022015). Collection method: clinical testing. Allele origin: germline.
Comment: For these reasons, this variant has been classified as Pathogenic. ClinVar contains an entry for this variant (Variation ID: 818520). This premature translational stop signal has been observed in individual(s) with neurofibromatosis type 1 (PMID: 30308447). In at least one individual the variant was observed to be de novo. This variant is not present in population databases (gnomAD no frequency). This sequence change creates a premature translational stop signal (p.Lys395*) in the NF1 gene. It is expected to result in an absent or disrupted protein product. Loss-of-function variants in NF1 are known to be pathogenic (PMID: 10712197, 23913538).

Genome-Nilou Lab
Classification: Pathogenic for Neurofibromatosis, type 1. Last evaluated: 2022-03-15. Review status: criteria provided, single submitter. Criteria: ACMG Guidelines, 2015. Collection method: clinical testing. Allele origin: germline. Affected: no.

CeGaT Center for Human Genetics Tuebingen
Classification: Pathogenic. Last evaluated: 2022-03-01. Review status: criteria provided, single submitter. Criteria: CeGaT Center For Human Genetics Tuebingen Variant Classification Criteria Version 2. Collection method: clinical testing. Allele origin: germline. Affected: yes. Observed: 3 variant alleles.

Ambry Genetics
Classification: Pathogenic for Cardiovascular phenotype; Hereditary cancer-predisposing syndrome. Last evaluated: 2018-12-05. Review status: criteria provided, single submitter. Criteria: Ambry Variant Classification Scheme 2023. Collection method: clinical testing. Allele origin: germline.
Comment: The c.1182dupT pathogenic mutation, located in coding exon 10 of the NF1 gene, results from a duplication of T at nucleotide position 1182, causing a translational frameshift with a predicted alternate stop codon (p.K395*). This alteration has been reported in a cohort of Neurofibromatosis type 1 patients (Bianchessi D et al. Mol Genet Genomic Med, 2015 Nov;3:513-25). In addition to the clinical data presented in the literature, this alteration is expected to result in loss of function by premature protein truncation or nonsense-mediated mRNA decay. As such, this alteration is interpreted as a disease-causing mutation.

Literature cited by the submitters: PubMed 30308447 (cited by Labcorp Genetics (formerly Invitae), Labcorp); PubMed 10712197 (cited by Labcorp Genetics (formerly Invitae), Labcorp); PubMed 23913538 (cited by Labcorp Genetics (formerly Invitae), Labcorp).